The following is an entry in ClinVar:

ClinVar aggregate classification (germline): Likely pathogenic (1 of 4 stars; one submission).

Conditions:
Cystic fibrosis (CF). Also called: MUCOVISCIDOSIS. Identifiers: Orphanet 586, MedGen C0010674, MONDO:0009061, OMIM 219700. Disease mechanism: loss of function.

Submission:

Neuberg Centre For Genomic Medicine, NCGM
Classification: Likely pathogenic for Cystic fibrosis. Review status: criteria provided, single submitter. Criteria: ACMG Guidelines, 2015. Collection method: clinical testing. Allele origin: germline. Inheritance: Autosomal recessive inheritance. Affected: yes.
Comment: The frameshift deletion p.D1341Efs*6 in CFTR (NM_000492.4) has not been reported previously as a pathogenic variant nor as a benign variant, to our knowledge. The p.D1341Efs*6 variant is novel (not in any individuals) in gnomAD Exomes and is novel (not in any individuals) in 1000 Genomes. This variant is predicted to cause loss of normal protein function through protein truncation. The frame shifted sequence continues 6 residues until a stop codon is reached. The p.D1341Efs*6 variant is a loss of function variant in the gene CFTR, which is intolerant of Loss of Function variants. For these reasons, this variant has been classified as Likely Pathogenic.

NM_000492.4(CFTR):c.4023del (p.Asp1341fs)

Gene: CFTR (CF transmembrane conductance regulator; plus strand). Cytogenetic location: 7q31.2.
Variant type: Deletion.
Coding change: c.4023del on transcript NM_000492.4 (MANE Select); coding-DNA position 4023, one base deleted (T; older notation c.4023delT).
Protein change: p.Asp1341fs; shifts the reading frame from aspartic acid 1341.
Molecular consequence: frameshift variant.
Genome position (GRCh38, 1-based): chr7:117,664,747, T deleted. VCF-style (leftmost placement, unchanged base first): chr7-117664746-AT-A. GRCh37 (hg19) VCF-style: chr7-117304800-AT-A.
Other names: short protein forms D1341fs.
Identifiers: ClinVar variation 2627544 (VCV002627544.1), dbSNP rs2485181726, ClinGen allele CA2582341938.